The following is an entry in ClinVar:

ClinVar aggregate classification (germline): Likely benign (0 of 4 stars; one submission).

Conditions:
FOXF2-related disorder. Also called: FOXF2-related condition.

Allele frequency attached by ClinVar (database versions not stated): ExAC 0.00047; 1000 Genomes Project 0.00180; gnomAD 0.00196; TOPMed 0.00211; ESP Exome Variant Server 0.00271; 1000 Genomes Project 30x 0.00281.
gnomAD v4.1: 542 of 1,456,872 alleles (0.037%); highest among the groups gnomAD compares: African/African-American, 0.7%; 3 homozygotes.

Submission:

PreventionGenetics, part of Exact Sciences
Classification: Likely benign for FOXF2-related condition. Last evaluated: 2019-08-01. Review status: no assertion criteria provided. Collection method: clinical testing. Allele origin: germline.
Comment: This variant is classified as likely benign based on ACMG/AMP sequence variant interpretation guidelines (Richards et al. 2015 PMID: 25741868, with internal and published modifications).

NM_001452.2(FOXF2):c.203C>T (p.Ala68Val)

Genes: FOXF2 (forkhead box F2; plus strand), FOXF2-DT (FOXF2 divergent transcript; minus strand). Cytogenetic location: 6p25.3.
Variant type: single nucleotide variant.
Coding change: c.203C>T on transcript NM_001452.2 (MANE Select); coding-DNA position 203, C replaced by T.
Protein change: p.Ala68Val; replaces alanine 68 with valine.
Molecular consequence: missense variant.
Genome position (GRCh38, 1-based): chr6:1,390,150, C>T. VCF-style: chr6-1390150-C-T. GRCh37 (hg19) VCF-style: chr6-1390385-C-T.
Other names: short protein forms A68V.
Identifiers: ClinVar variation 3055942 (VCV003055942.2), dbSNP rs374633411, ClinGen allele CA3614478.